The following is an entry in ClinVar:

NM_001160372.4(TRAPPC9):c.2795C>A (p.Ala932Asp)

Gene: TRAPPC9 (trafficking protein particle complex subunit 9; minus strand). Cytogenetic location: 8q24.3.
Variant type: single nucleotide variant.
Coding change: c.2795C>A on transcript NM_001160372.4 (MANE Select); coding-DNA position 2795, C replaced by A.
Protein change: p.Ala932Asp; replaces alanine 932 with aspartic acid.
Molecular consequence: missense variant. On other transcripts: non-coding transcript variant (1), intron variant (1).
Genome position (GRCh38, 1-based): chr8:139,988,741, G>T on the plus strand (C>A on the coding strand, the complement: TRAPPC9 is on the minus strand). VCF-style: chr8-139988741-G-T. GRCh37 (hg19) VCF-style: chr8-140998949-G-T.
Other names: c.2768C>A, p.Ala923Asp (NM_001321646.2); c.2816C>A, p.Ala939Asp (NM_001374682.1); c.2651C>A, p.Ala884Asp (NM_001374684.1); c.2795C>A, p.Ala932Asp (NM_031466.8); c.2699+35196C>A (NM_001374683.1); short protein forms A923D, A884D, A932D, A939D.
Identifiers: ClinVar variation 1029168 (VCV001029168.1), dbSNP rs759330508, ClinGen allele CA4892981.

ClinVar aggregate classification (germline): Uncertain significance (1 of 4 stars; one submission).

Conditions:
Intellectual developmental disorder, autosomal recessive 13. Also called: Intellectual disability, autosomal recessive 13. Identifiers: Orphanet 88616, MedGen C2750791, MONDO:0013173, OMIM 613192.

Allele frequency attached by ClinVar (database versions not stated): gnomAD below 0.00001 and 0.00001; gnomAD exomes 0.00004 and 0.00002; ExAC 0.00015.
gnomAD v4.1: 23 of 1,550,108 alleles (0.0015%); highest among the groups gnomAD compares: South Asian, 0.027%; no homozygotes.

Submission:

Baylor Genetics
Classification: Uncertain significance for Intellectual developmental disorder, autosomal recessive 13. Last evaluated: 2020-09-19. Review status: criteria provided, single submitter. Criteria: ACMG Guidelines, 2015. Collection method: clinical testing. Allele origin: unknown. Affected: yes.
Comment: This variant was determined to be of uncertain significance according to ACMG Guidelines, 2015 [PMID:25741868].